The following is an entry in ClinVar:

ClinVar aggregate classification (germline): Uncertain significance (1 of 4 stars; one submission).

Conditions:
Arterial tortuosity syndrome (ATORS). Identifiers: Orphanet 3342, MedGen C1859726, MONDO:0008818, OMIM 208050.

Submission:

Labcorp Genetics (formerly Invitae), Labcorp
Classification: Uncertain significance for Arterial tortuosity syndrome. Last evaluated: 2021-09-16. Review status: criteria provided, single submitter. Criteria: Invitae Variant Classification Sherloc (09022015). Collection method: clinical testing. Allele origin: germline.
Comment: In summary, the available evidence is currently insufficient to determine the role of this variant in disease. Therefore, it has been classified as a Variant of Uncertain Significance. Advanced modeling of protein sequence and biophysical properties (such as structural, functional, and spatial information, amino acid conservation, physicochemical variation, residue mobility, and thermodynamic stability) performed at Invitae indicates that this missense variant is not expected to disrupt SLC2A10 protein function. This variant has not been reported in the literature in individuals affected with SLC2A10-related conditions. This variant is not present in population databases (ExAC no frequency). This sequence change replaces threonine with serine at codon 528 of the SLC2A10 protein (p.Thr528Ser). The threonine residue is weakly conserved and there is a small physicochemical difference between threonine and serine.

NM_030777.4(SLC2A10):c.1583C>G (p.Thr528Ser)

Gene: SLC2A10 (solute carrier family 2 member 10; plus strand). Cytogenetic location: 20q13.12.
Variant type: single nucleotide variant.
Coding change: c.1583C>G on transcript NM_030777.4 (MANE Select); coding-DNA position 1583, C replaced by G.
Protein change: p.Thr528Ser; replaces threonine 528 with serine.
Molecular consequence: missense variant.
Genome position (GRCh38, 1-based): chr20:46,733,791, C>G. VCF-style: chr20-46733791-C-G. GRCh37 (hg19) VCF-style: chr20-45362430-C-G.
Other names: short protein forms T528S.
Identifiers: ClinVar variation 1510193 (VCV001510193.6), dbSNP rs1379143650, ClinGen allele CA409274727.